The following is an entry in ClinVar:

NM_000283.4(PDE6B):c.1722+4C>T

Gene: PDE6B (phosphodiesterase 6B; plus strand). Cytogenetic location: 4p16.3.
Variant type: single nucleotide variant.
Coding change: c.1722+4C>T on transcript NM_000283.4 (MANE Select); 4 bases into the intron after coding-DNA position 1722, C replaced by T.
Molecular consequence: intron variant.
Genome position (GRCh38, 1-based): chr4:662,245, C>T. VCF-style: chr4-662245-C-T. GRCh37 (hg19) VCF-style: chr4-656034-C-T.
Other names: c.1722+4C>T (NM_001145291.2); c.885+4C>T (NM_001379246.1, NM_001379247.1, NM_001145292.2 and 1 more transcripts); c.567+4C>T (NM_001350155.3).
Identifiers: ClinVar variation 1038928 (VCV001038928.7), dbSNP rs200389206, ClinGen allele CA91088735.
Genomic context (GRCh38, chr4:662,245, plus strand): 5'-TACCACAACTGGCGCCACGGCTTCAACGTGGCCCAGACGATGTTCACGCTGCTCATGGTA[C>T]GTGGCTGCCAGAATCACCAGGGTTGTGCAGGCCCTCCTGGTACCAAGGGCAGCACTCAAG-3'

ClinVar aggregate classification (germline): Uncertain significance (1 of 4 stars; one submission).

Allele frequency attached by ClinVar (database versions not stated): gnomAD exomes 0.00001 and 0.00002; ESP Exome Variant Server 0.00008; gnomAD 0.00013 and 0.00014; TOPMed 0.00015; 1000 Genomes Project 0.00020; 1000 Genomes Project 30x 0.00031.
gnomAD v4.1: 38 of 1,509,296 alleles (0.0025%); highest among the groups gnomAD compares: Admixed American, 0.021%; no homozygotes.

Submission:

Labcorp Genetics (formerly Invitae), Labcorp
Classification: Uncertain significance. Last evaluated: 2025-12-02. Review status: criteria provided, single submitter. Criteria: Invitae Variant Classification Sherloc (09022015). Collection method: clinical testing. Allele origin: germline.
Comment: This sequence change falls in intron 13 of the PDE6B gene. It does not directly change the encoded amino acid sequence of the PDE6B protein. It affects a nucleotide within the consensus splice site. This variant is present in population databases (rs200389206, gnomAD 0.02%). This variant has not been reported in the literature in individuals affected with PDE6B-related conditions. ClinVar contains an entry for this variant (Variation ID: 1038928). Variants that disrupt the consensus splice site are a relatively common cause of aberrant splicing (PMID: 17576681, 9536098). Algorithms developed to predict the effect of sequence changes on RNA splicing suggest that this variant is not likely to affect RNA splicing. In summary, the available evidence is currently insufficient to determine the role of this variant in disease. Therefore, it has been classified as a Variant of Uncertain Significance.

Literature cited by the submitters: PubMed 17576681; PubMed 9536098.